The following is an entry in ClinVar:

NM_000843.4(GRM6):c.2527A>G (p.Ile843Val)

Genes: GRM6 (glutamate metabotropic receptor 6; minus strand), ZNF454 (zinc finger protein 454; plus strand). Cytogenetic location: 5q35.3.
Variant type: single nucleotide variant.
Coding change: c.2527A>G on transcript NM_000843.4 (MANE Select); coding-DNA position 2527, A replaced by G.
Protein change: p.Ile843Val; replaces isoleucine 843 with valine.
Molecular consequence: missense variant.
Genome position (GRCh38, 1-based): chr5:178,981,764, T>C on the plus strand (A>G on the coding strand, the complement: GRM6 is on the minus strand). VCF-style: chr5-178981764-T-C. GRCh37 (hg19) VCF-style: chr5-178408765-T-C.
Other names: short protein forms I843V.
Identifiers: ClinVar variation 1389505 (VCV001389505.6), dbSNP rs2113310932, ClinGen allele CA362423026.

ClinVar aggregate classification (germline): Uncertain significance (1 of 4 stars; one submission).

Allele frequency attached by ClinVar (database versions not stated): gnomAD exomes below 0.00001.
gnomAD v4.1: 1 of 1,613,486 alleles (0.000062%); highest among the groups gnomAD compares: Non-Finnish European, 0.000085%; no homozygotes.

Submission:

Labcorp Genetics (formerly Invitae), Labcorp
Classification: Uncertain significance. Last evaluated: 2023-07-17. Review status: criteria provided, single submitter. Criteria: Invitae Variant Classification Sherloc (09022015). Collection method: clinical testing. Allele origin: germline.
Comment: This variant is not present in population databases (gnomAD no frequency). In summary, the available evidence is currently insufficient to determine the role of this variant in disease. Therefore, it has been classified as a Variant of Uncertain Significance. Advanced modeling of protein sequence and biophysical properties (such as structural, functional, and spatial information, amino acid conservation, physicochemical variation, residue mobility, and thermodynamic stability) performed at Invitae indicates that this missense variant is not expected to disrupt GRM6 protein function. ClinVar contains an entry for this variant (Variation ID: 1389505). This variant has not been reported in the literature in individuals affected with GRM6-related conditions. This sequence change replaces isoleucine, which is neutral and non-polar, with valine, which is neutral and non-polar, at codon 843 of the GRM6 protein (p.Ile843Val).